The following is an entry in ClinVar:

NM_033026.6(PCLO):c.1142C>T (p.Pro381Leu)

Gene: PCLO (piccolo presynaptic cytomatrix protein; minus strand). Cytogenetic location: 7q21.11.
Variant type: single nucleotide variant.
Coding change: c.1142C>T on transcript NM_033026.6 (MANE Select); coding-DNA position 1142, C replaced by T.
Protein change: p.Pro381Leu; replaces proline 381 with leucine.
Molecular consequence: missense variant.
Genome position (GRCh38, 1-based): chr7:83,155,499, G>A on the plus strand (C>T on the coding strand, the complement: PCLO is on the minus strand). VCF-style: chr7-83155499-G-A. GRCh37 (hg19) VCF-style: chr7-82784815-G-A.
Other names: c.1142C>T, p.Pro381Leu (NM_014510.3); short protein forms P381L.
Identifiers: ClinVar variation 2135094 (VCV002135094.4), dbSNP rs368095737, ClinGen allele CA4321515.

ClinVar aggregate classification (germline): Uncertain significance (1 of 4 stars; one submission).

Allele frequency attached by ClinVar (database versions not stated): gnomAD exomes below 0.00001; TOPMed below 0.00001; ExAC 0.00001; ESP Exome Variant Server 0.00008.
gnomAD v4.1: 1 of 1,613,010 alleles (0.000062%); highest among the groups gnomAD compares: Non-Finnish European, 0.000085%; no homozygotes.

Submission:

Labcorp Genetics (formerly Invitae), Labcorp
Classification: Uncertain significance. Last evaluated: 2022-06-15. Review status: criteria provided, single submitter. Criteria: Invitae Variant Classification Sherloc (09022015). Collection method: clinical testing. Allele origin: germline.
Comment: In summary, the available evidence is currently insufficient to determine the role of this variant in disease. Therefore, it has been classified as a Variant of Uncertain Significance. Algorithms developed to predict the effect of missense changes on protein structure and function output the following: SIFT: "Deleterious"; PolyPhen-2: "Not Available"; Align-GVGD: "Class C0". The leucine amino acid residue is found in multiple mammalian species, which suggests that this missense change does not adversely affect protein function. This sequence change replaces proline, which is neutral and non-polar, with leucine, which is neutral and non-polar, at codon 381 of the PCLO protein (p.Pro381Leu). This variant is present in population databases (rs368095737, gnomAD 0.0009%). This variant has not been reported in the literature in individuals affected with PCLO-related conditions.